The following is an entry in ClinVar:

ClinVar aggregate classification (germline): Uncertain significance (0 of 4 stars; one submission).

Conditions:
ATP6V1A-related disorder. Also called: ATP6V1A-related condition.

Submission:

PreventionGenetics, part of Exact Sciences
Classification: Uncertain significance for ATP6V1A-related condition. Last evaluated: 2023-12-15. Review status: no assertion criteria provided. Collection method: clinical testing. Allele origin: germline.
Comment: The ATP6V1A c.396_397insC variant is predicted to result in a frameshift and premature protein termination (p.Trp133Leufs*13). To our knowledge, this variant has not been reported in the literature or in a large population database, indicating this variant is rare. Of note, loss of function variants in ATP6V1A have not commonly been reported in the literature. At this time, the clinical significance of this variant is uncertain due to the absence of conclusive functional and genetic evidence.

NM_001690.4(ATP6V1A):c.396_397insC (p.Trp133fs)

Gene: ATP6V1A (ATPase H+ transporting V1 subunit A; plus strand). Cytogenetic location: 3q13.31.
Variant type: Insertion.
Coding change: c.396_397insC on transcript NM_001690.4 (MANE Select); coding-DNA positions 396 to 397, C inserted.
Protein change: p.Trp133fs; shifts the reading frame from tryptophan 133.
Molecular consequence: frameshift variant.
Genome position: GRCh38 VCF-style: chr3-113784408-A-AC. GRCh37 (hg19) VCF-style: chr3-113503255-A-AC.
Other names: short protein forms W133fs.
Identifiers: ClinVar variation 3031752 (VCV003031752.2), dbSNP rs2549719271, ClinGen allele CA2740094548.
Genomic context (GRCh38, chr3:113,784,408, plus strand): 5'-GACCCAAAGCATCTACATCCCCAGAGGAGTAAACGTGTCTGCTCTTAGCAGAGATATCAA[A>AC]TGGGACTTTACACCTTGCAAAAACCTACGGGTATGTCTGTGTAACCAAGAATTTCTGAAG-3'